The following is an entry in ClinVar:

NM_005120.3(MED12):c.5400+7G>A

Gene: MED12 (mediator complex subunit 12; plus strand). Cytogenetic location: Xq13.1.
Variant type: single nucleotide variant.
Coding change: c.5400+7G>A on transcript NM_005120.3 (MANE Select); 7 bases into the intron after coding-DNA position 5400, G replaced by A.
Molecular consequence: intron variant.
Genome position (GRCh38, 1-based): chrX:71,136,662, G>A. VCF-style: chrX-71136662-G-A. GRCh37 (hg19) VCF-style: chrX-70356512-G-A.
Identifiers: ClinVar variation 516192 (VCV000516192.15), dbSNP rs201254124, ClinGen allele CA10444769.

ClinVar aggregate classification (germline): Benign/Likely benign. Review status: criteria provided, multiple submitters, no conflicts (2 of 4 stars). 4 submissions from 4 submitters: Benign (1); Likely benign (2). 1 of the submissions does not count toward it. Last evaluated 2026-01-10.

Conditions:
MED12-Related Disorders. Also called: MED12-related condition; MED12-related disorder. Identifiers: MedGen CN381102.
FG syndrome (FGS). Identifiers: MedGen C0220769, MONDO:0002010.

Allele frequency attached by ClinVar (database versions not stated): ExAC 0.00018; gnomAD 0.00036 and 0.00038; TOPMed 0.00049; ESP Exome Variant Server 0.00051; 1000 Genomes Project 30x 0.00083; 1000 Genomes Project 0.00106.

Submissions (4):

Labcorp Genetics (formerly Invitae), Labcorp
Classification: Benign for FG syndrome. Last evaluated: 2026-01-10. Review status: criteria provided, single submitter. Criteria: Invitae Variant Classification Sherloc (09022015). Collection method: clinical testing. Allele origin: germline.

Blueprint Genetics
Classification: Likely benign. Last evaluated: 2024-09-16. Review status: criteria provided, single submitter. Criteria: ACMG Guidelines, 2015. Collection method: clinical testing. Allele origin: germline.

GeneDx
Classification: Likely benign. Last evaluated: 2017-08-28. Review status: criteria provided, single submitter. Criteria: GeneDx Variant Classification (06012015). Collection method: clinical testing. Allele origin: germline. Affected: yes.
Comment: This variant is considered likely benign or benign based on one or more of the following criteria: it is a conservative change, it occurs at a poorly conserved position in the protein, it is predicted to be benign by multiple in silico algorithms, and/or has population frequency not consistent with disease.

PreventionGenetics, part of Exact Sciences
Classification: Likely benign for MED12-related condition. Last evaluated: 2019-07-25. Review status: no assertion criteria provided. Collection method: clinical testing. Allele origin: germline. Not counted in ClinVar's aggregate classification.
Comment: This variant is classified as likely benign based on ACMG/AMP sequence variant interpretation guidelines (Richards et al. 2015 PMID: 25741868, with internal and published modifications).